The following is an entry in ClinVar:

NM_000135.4(FANCA):c.2300A>T (p.Gln767Leu)

Gene: FANCA (FA complementation group A; minus strand). Cytogenetic location: 16q24.3.
Variant type: single nucleotide variant.
Coding change: c.2300A>T on transcript NM_000135.4 (MANE Select); coding-DNA position 2300, A replaced by T.
Protein change: p.Gln767Leu; replaces glutamine 767 with leucine.
Molecular consequence: missense variant.
Genome position (GRCh38, 1-based): chr16:89,770,182, T>A on the plus strand (A>T on the coding strand, the complement: FANCA is on the minus strand). VCF-style: chr16-89770182-T-A. GRCh37 (hg19) VCF-style: chr16-89836590-T-A.
Other names: c.2300A>T, p.Gln767Leu (NM_001286167.3); short protein forms Q767L.
Identifiers: ClinVar variation 5036409 (VCV005036409.1).

ClinVar aggregate classification (germline): Uncertain significance (1 of 4 stars; one submission).

Conditions:
Inborn genetic diseases. Identifiers: MedGen C0950123, MeSH D030342.

Submission:

Ambry Genetics
Classification: Uncertain significance for Inborn genetic diseases. Last evaluated: 2026-08-11. Review status: criteria provided, single submitter. Criteria: Ambry Variant Classification Scheme 2023. Collection method: clinical testing. Allele origin: germline.
Comment: The p.Q767L variant (also known as c.2300A>T), located in coding exon 25 of the FANCA gene, results from an A to T substitution at nucleotide position 2300. The glutamine at codon 767 is replaced by leucine, an amino acid with dissimilar properties. This amino acid position is conserved. In addition, the in silico prediction for this alteration is inconclusive. Based on the available evidence, the clinical significance of this variant remains unclear.